The following is an entry in ClinVar:

ClinVar aggregate classification (germline): Pathogenic/Likely pathogenic. Review status: criteria provided, multiple submitters, no conflicts (2 of 4 stars). 2 submissions from 2 submitters: Pathogenic (1); Likely pathogenic (1). Last evaluated 2026-01-22.

Conditions:
Leber congenital amaurosis 5 (LCA5). Also called: Amaurosis congenita of Leber, type 5. Identifiers: Orphanet 65, MedGen C1858301, MONDO:0011473, OMIM 604537.

Allele frequency attached by ClinVar (database versions not stated): gnomAD exomes below 0.00001; TOPMed below 0.00001; ExAC 0.00001.

Submissions (2):

Natera, Inc.
Classification: Likely pathogenic for Leber congenital amaurosis type 5. Last evaluated: 2026-01-22. Review status: criteria provided, single submitter. Criteria: Natera Variant Classification Schema (03/2026). Collection method: clinical testing. Allele origin: germline.
Comment: The c.1A>G variant in LCA5 is predicted to result in start loss due to disruption of the initiator methionine. This variant is expected to result in nonsense mediated decay, truncation, or a dysfunctional protein product. This variant is rare in the general population with a frequency below the threshold expected for the associated phenotype(s). Given the available evidence, this variant is classified as Likely Pathogenic.

Labcorp Genetics (formerly Invitae), Labcorp
Classification: Pathogenic. Last evaluated: 2022-09-03. Review status: criteria provided, single submitter. Criteria: Invitae Variant Classification Sherloc (09022015). Collection method: clinical testing. Allele origin: germline.
Comment: For these reasons, this variant has been classified as Pathogenic. This variant disrupts a region of the LCA5 protein in which other variant(s) (p.Ala212Pro) have been observed in individuals with LCA5-related conditions (PMID: 27067258). This suggests that this is a clinically significant region of the protein, and that variants that disrupt it are likely to be disease-causing. This variant is present in population databases (rs776050072, gnomAD 0.003%). Disruption of the initiator codon has been observed in individuals with LCA5-related conditions (PMID: 23946133; Invitae). This sequence change affects the initiator methionine of the LCA5 mRNA. The next in-frame methionine is located at codon 336.

Literature cited by the submitters: PubMed 27067258 (cited by Labcorp Genetics (formerly Invitae), Labcorp); PubMed 23946133 (cited by Labcorp Genetics (formerly Invitae), Labcorp).

NM_001122769.3(LCA5):c.1A>G (p.Met1Val)

Gene: LCA5 (lebercilin LCA5; minus strand). Cytogenetic location: 6q14.1.
Variant type: single nucleotide variant.
Coding change: c.1A>G on transcript NM_001122769.3 (MANE Select); coding-DNA position 1, A replaced by G.
Protein change: p.Met1Val; changes the start codon (methionine 1).
Molecular consequence: missense variant, initiator codon variant.
Genome position (GRCh38, 1-based): chr6:79,518,894, T>C on the plus strand (A>G on the coding strand, the complement: LCA5 is on the minus strand). VCF-style: chr6-79518894-T-C. GRCh37 (hg19) VCF-style: chr6-80228611-T-C.
Other names: c.1A>G, p.Met1Val (NM_181714.4); c.1A>G (NM_181714.3); short protein forms M1V.
Identifiers: ClinVar variation 2083359 (VCV002083359.6), dbSNP rs776050072, ClinGen allele CA3901236.